The following is an entry in ClinVar:

NM_000038.6(APC):c.1654T>C (p.Ser552Pro)

Gene: APC (APC regulator of Wnt signaling pathway; plus strand). Cytogenetic location: 5q22.2.
Variant type: single nucleotide variant.
Coding change: c.1654T>C on transcript NM_000038.6 (MANE Select); coding-DNA position 1654, T replaced by C.
Protein change: p.Ser552Pro; replaces serine 552 with proline.
Molecular consequence: missense variant.
Genome position (GRCh38, 1-based): chr5:112,828,883, T>C. VCF-style: chr5-112828883-T-C. GRCh37 (hg19) VCF-style: chr5-112164580-T-C.
Other names: c.1708T>C, p.Ser570Pro (NM_001407447.1, NM_001407448.1, NM_001407449.1 and 1 more transcripts); c.1654T>C, p.Ser552Pro (NM_001407450.1, NM_001127510.3, NM_001354895.2); c.1633T>C, p.Ser545Pro (NM_001407451.1); c.1600T>C, p.Ser534Pro (NM_001127511.3); c.1684T>C, p.Ser562Pro (NM_001354897.2); c.1579T>C, p.Ser527Pro (NM_001354898.2); c.1570T>C, p.Ser524Pro (NM_001354899.2); c.1531T>C, p.Ser511Pro (NM_001354900.2); and 11 more; short protein forms S392P, S423P, S426P, S451P, S534P, S552P, S580P, S168P.
Identifiers: ClinVar variation 2566964 (VCV002566964.2), dbSNP rs2149817152, ClinGen allele CA16024924.

ClinVar aggregate classification (germline): Uncertain significance (1 of 4 stars; one submission).

Conditions:
Hereditary cancer-predisposing syndrome. Also called: Hereditary neoplastic syndrome; Hereditary Cancer Syndrome; Neoplastic Syndromes, Hereditary; Tumor predisposition. Identifiers: Orphanet 140162, MedGen C0027672, MeSH D009386, MONDO:0015356.

Submission:

Ambry Genetics
Classification: Uncertain significance for Hereditary cancer-predisposing syndrome. Last evaluated: 2023-04-28. Review status: criteria provided, single submitter. Criteria: Ambry Variant Classification Scheme 2023. Collection method: clinical testing. Allele origin: germline.
Comment: The p.S552P variant (also known as c.1654T>C), located in coding exon 13 of the APC gene, results from a T to C substitution at nucleotide position 1654. The serine at codon 552 is replaced by proline, an amino acid with similar properties. This amino acid position is highly conserved in available vertebrate species. In addition, in silico predictors for this gene do not accurately predict pathogenicity. Since supporting evidence is limited at this time, the clinical significance of this alteration remains unclear.